The following is an entry in ClinVar:

ClinVar aggregate classification (germline): Conflicting classifications of pathogenicity. Review status: criteria provided, conflicting classifications (1 of 4 stars). 3 submissions from 3 submitters: Likely pathogenic (1); Uncertain significance (2). Last evaluated 2025-10-02.

Conditions:
MMP21-related disorder. Also called: MMP21-related condition.
Heterotaxy, visceral, 7, autosomal (HTX7). Identifiers: Orphanet 450, MedGen C4225217, MONDO:0014762, OMIM 616749.
Inborn genetic diseases. Identifiers: MedGen C0950123, MeSH D030342.

Allele frequency attached by ClinVar (database versions not stated): gnomAD 0.00001; gnomAD exomes 0.00001; TOPMed 0.00001; ExAC 0.00002; ESP Exome Variant Server 0.00008.
gnomAD v4.1: 14 of 1,614,036 alleles (0.00087%); highest among the groups gnomAD compares: African/African-American, 0.0027%; no homozygotes.

Submissions (3):

Ambry Genetics
Classification: Uncertain significance for Inborn genetic diseases. Last evaluated: 2025-10-02. Review status: criteria provided, single submitter. Criteria: Ambry Variant Classification Scheme 2023. Collection method: clinical testing. Allele origin: germline.

Blueprint Genetics
Classification: Likely pathogenic for MMP21-related disorders. Last evaluated: 2021-04-19. Review status: criteria provided, single submitter. Criteria: ACMG Guidelines, 2015. Collection method: clinical testing. Allele origin: germline. Affected: yes. Observed: 3 variant alleles.

Baylor Genetics
Classification: Uncertain significance for Heterotaxy, visceral, 7, autosomal. Last evaluated: 2020-08-25. Review status: criteria provided, single submitter. Criteria: ACMG Guidelines, 2015. Collection method: clinical testing. Allele origin: unknown. Affected: yes.
Comment: This variant was determined to be of uncertain significance according to ACMG Guidelines, 2015 [PMID:25741868].

NM_147191.1(MMP21):c.1123C>T (p.Arg375Cys)

Gene: MMP21 (matrix metallopeptidase 21; minus strand). Cytogenetic location: 10q26.2.
Variant type: single nucleotide variant.
Coding change: c.1123C>T on transcript NM_147191.1 (MANE Select); coding-DNA position 1123, C replaced by T.
Protein change: p.Arg375Cys; replaces arginine 375 with cysteine.
Molecular consequence: missense variant.
Genome position (GRCh38, 1-based): chr10:125,770,448, G>A on the plus strand (C>T on the coding strand, the complement: MMP21 is on the minus strand). VCF-style: chr10-125770448-G-A. GRCh37 (hg19) VCF-style: chr10-127459017-G-A.
Other names: short protein forms R375C.
Identifiers: ClinVar variation 1027776 (VCV001027776.3), dbSNP rs138944733, ClinGen allele CA5737996.